The following is an entry in ClinVar:

ClinVar aggregate classification (germline): Likely benign. Review status: criteria provided, multiple submitters, no conflicts (2 of 4 stars). 2 submissions from 2 submitters: Likely benign (2). Last evaluated 2024-11-15.

Conditions:
FAT1-related disorder. Also called: FAT1-related condition.

Allele frequency attached by ClinVar (database versions not stated): gnomAD exomes 0.00002; ExAC 0.00003; gnomAD 0.00004; TOPMed 0.00004; ESP Exome Variant Server 0.00008.
gnomAD v4.1: 20 of 1,613,884 alleles (0.0012%); highest among the groups gnomAD compares: African/African-American, 0.0067%; no homozygotes.

Submissions (2):

PreventionGenetics, part of Exact Sciences
Classification: Likely benign for FAT1-related condition. Last evaluated: 2024-11-15. Review status: criteria provided, single submitter. Criteria: ACMG Guidelines, 2015. Collection method: clinical testing. Allele origin: germline.
Comment: This variant is classified as likely benign based on ACMG/AMP sequence variant interpretation guidelines (Richards et al. 2015 PMID: 25741868, with internal and published modifications).

Labcorp Genetics (formerly Invitae), Labcorp
Classification: Likely benign. Last evaluated: 2024-03-05. Review status: criteria provided, single submitter. Criteria: Invitae Variant Classification Sherloc (09022015). Collection method: clinical testing. Allele origin: germline.

NM_005245.4(FAT1):c.8421G>A (p.Pro2807=)

Genes: FAT1 (FAT atypical cadherin 1; minus strand), LOC126807255 (BRD4-independent group 4 enhancer GRCh37_chr4:187538202-187539401; plus strand). Cytogenetic location: 4q35.2.
Variant type: single nucleotide variant.
Coding change: c.8421G>A on transcript NM_005245.4 (MANE Select); coding-DNA position 8421, G replaced by A.
Protein change: p.Pro2807=; no amino-acid change (proline 2807 retained).
Molecular consequence: synonymous variant.
Genome position (GRCh38, 1-based): chr4:186,618,165, C>T on the plus strand (G>A on the coding strand, the complement: FAT1 is on the minus strand). VCF-style: chr4-186618165-C-T. GRCh37 (hg19) VCF-style: chr4-187539319-C-T.
Identifiers: ClinVar variation 780513 (VCV000780513.7), dbSNP rs369868128, ClinGen allele CA3165885.